The following is an entry in ClinVar:

NM_004100.5(EYA4):c.1696G>A (p.Gly566Ser)

Genes: EYA4 (EYA transcriptional coactivator and phosphatase 4; plus strand), TARID (TCF21 antisense RNA inducing promoter demethylation; minus strand). Cytogenetic location: 6q23.2.
Variant type: single nucleotide variant.
Coding change: c.1696G>A on transcript NM_004100.5 (MANE Select); coding-DNA position 1696, G replaced by A.
Protein change: p.Gly566Ser; replaces glycine 566 with serine.
Molecular consequence: missense variant.
Genome position (GRCh38, 1-based): chr6:133,523,135, G>A. VCF-style: chr6-133523135-G-A. GRCh37 (hg19) VCF-style: chr6-133844273-G-A.
Other names: c.1534G>A, p.Gly512Ser (NM_001301012.2); c.1714G>A, p.Gly572Ser (NM_001301013.2); c.1627G>A, p.Gly543Ser (NM_001370458.1, NM_172103.4); c.1552G>A, p.Gly518Ser (NM_001370459.1); c.1696G>A, p.Gly566Ser (NM_172105.4); short protein forms G512S, G518S, G543S, G566S, G572S.
Identifiers: ClinVar variation 1316400 (VCV001316400.7), dbSNP rs908132048, ClinGen allele CA148047529.

ClinVar aggregate classification (germline): Uncertain significance. Review status: criteria provided, multiple submitters, no conflicts (2 of 4 stars). 4 submissions from 4 submitters: Uncertain significance (4). Last evaluated 2025-07-03.

Conditions:
Dilated cardiomyopathy 1J (CMD1J). Also called: CARDIOMYOPATHY, DILATED, WITH SENSORINEURAL HEARING LOSS, AUTOSOMAL DOMINANT. Identifiers: Orphanet 217622, MedGen C1854368, MONDO:0011541, OMIM 605362.
Cardiovascular phenotype. Identifiers: MedGen CN230736.

Allele frequency attached by ClinVar (database versions not stated): gnomAD 0.00001; gnomAD exomes 0.00001; TOPMed 0.00002.
gnomAD v4.1: 13 of 1,612,246 alleles (0.00081%); highest among the groups gnomAD compares: Non-Finnish European, 0.001%; no homozygotes.

Submissions (4):

Ambry Genetics
Classification: Uncertain significance for Cardiovascular phenotype. Last evaluated: 2025-07-03. Review status: criteria provided, single submitter. Criteria: Ambry Variant Classification Scheme 2023. Collection method: clinical testing. Allele origin: germline.
Comment: The p.G566S variant (also known as c.1696G>A), located in coding exon 17 of the EYA4 gene, results from a G to A substitution at nucleotide position 1696. The glycine at codon 566 is replaced by serine, an amino acid with similar properties. This amino acid position is conserved. In addition, the in silico prediction for this alteration is inconclusive. Based on the available evidence, the clinical significance of this variant remains unclear.

Blueprint Genetics
Classification: Uncertain significance. Last evaluated: 2024-06-24. Review status: criteria provided, single submitter. Criteria: ACMG Guidelines, 2015. Collection method: clinical testing. Allele origin: germline.

Labcorp Genetics (formerly Invitae), Labcorp
Classification: Uncertain significance for Dilated cardiomyopathy 1J. Last evaluated: 2023-12-02. Review status: criteria provided, single submitter. Criteria: Invitae Variant Classification Sherloc (09022015). Collection method: clinical testing. Allele origin: germline.
Comment: This sequence change replaces glycine, which is neutral and non-polar, with serine, which is neutral and polar, at codon 566 of the EYA4 protein (p.Gly566Ser). This variant is present in population databases (no rsID available, gnomAD 0.007%). This variant has not been reported in the literature in individuals affected with EYA4-related conditions. ClinVar contains an entry for this variant (Variation ID: 1316400). Advanced modeling of protein sequence and biophysical properties (such as structural, functional, and spatial information, amino acid conservation, physicochemical variation, residue mobility, and thermodynamic stability) performed at Invitae indicates that this missense variant is not expected to disrupt EYA4 protein function with a negative predictive value of 80%. In summary, the available evidence is currently insufficient to determine the role of this variant in disease. Therefore, it has been classified as a Variant of Uncertain Significance.

GeneDx
Classification: Uncertain significance. Last evaluated: 2020-01-16. Review status: criteria provided, single submitter. Criteria: GeneDx Variant Classification Process June 2021. Collection method: clinical testing. Allele origin: germline. Affected: yes.
Comment: Has not been previously published as pathogenic or benign to our knowledge; Not observed at a significant frequency in large population cohorts (Lek et al., 2016); In silico analysis, which includes protein predictors and evolutionary conservation, supports that this variant does not alter protein structure/function